The following is an entry in ClinVar:

NM_000548.5(TSC2):c.4362T>A (p.Ser1454Arg)

Gene: TSC2 (TSC complex subunit 2; plus strand). Cytogenetic location: 16p13.3.
Variant type: single nucleotide variant.
Coding change: c.4362T>A on transcript NM_000548.5 (MANE Select); coding-DNA position 4362, T replaced by A.
Protein change: p.Ser1454Arg; replaces serine 1454 with arginine.
Molecular consequence: missense variant.
Genome position (GRCh38, 1-based): chr16:2,084,584, T>A. VCF-style: chr16-2084584-T-A. GRCh37 (hg19) VCF-style: chr16-2134585-T-A.
Other names: c.4161T>A, p.Ser1387Arg (NM_001077183.3); c.4293T>A, p.Ser1431Arg (NM_001114382.3); c.4053T>A, p.Ser1351Arg (NM_001318827.2); c.4017T>A, p.Ser1339Arg (NM_001318829.2); c.3630T>A, p.Ser1210Arg (NM_001318831.2); c.4194T>A, p.Ser1398Arg (NM_001318832.2); c.4164T>A, p.Ser1388Arg (NM_001363528.2); c.4230T>A, p.Ser1410Arg (NM_001370404.1); and 2 more; short protein forms S1210R, S1339R, S1351R, S1387R, S1388R, S1398R, S1410R, S1411R.
Identifiers: ClinVar variation 1057663 (VCV001057663.11), dbSNP rs1320400029, ClinGen allele CA394301677.
Genomic context (GRCh38, chr16:2,084,584, plus strand): 5'-CGAAGACAGTCGGGGCCAGCCCGAGGGTCCCTTGCCTTCCAGCTCCCCCCGCTCGCCCAG[T>A]GGCCTCCGGCCCCGAGGTTACACCATCTCCGACTCGGCCCCATCACGCAGGGGCAAGAGA-3'
Protein context (NP_000539.2, residues 1444-1464): PLPSSSPRSP[Ser1454Arg]GLRPRGYTIS

ClinVar aggregate classification (germline): Uncertain significance. Review status: criteria provided, multiple submitters, no conflicts (2 of 4 stars). 2 submissions from 2 submitters: Uncertain significance (2). Last evaluated 2023-02-02.

Conditions:
Tuberous sclerosis 2 (TSC2). Identifiers: Orphanet 805, MedGen C1860707, MONDO:0013199, OMIM 613254.

Submissions (2):

Women's Health and Genetics/Laboratory Corporation of America, LabCorp
Classification: Uncertain significance. Last evaluated: 2023-02-02. Review status: criteria provided, single submitter. Criteria: LabCorp Variant Classification Summary - May 2015. Collection method: clinical testing. Allele origin: germline.

Labcorp Genetics (formerly Invitae), Labcorp
Classification: Uncertain significance for Tuberous sclerosis 2. Last evaluated: 2020-02-19. Review status: criteria provided, single submitter. Criteria: Invitae Variant Classification Sherloc (09022015). Collection method: clinical testing. Allele origin: germline.
Comment: Algorithms developed to predict the effect of missense changes on protein structure and function are either unavailable or do not agree on the potential impact of this missense change (SIFT: "Deleterious"; PolyPhen-2: "Benign"; Align-GVGD: "Class C0"). This sequence change replaces serine with arginine at codon 1454 of the TSC2 protein (p.Ser1454Arg). The serine residue is moderately conserved and there is a moderate physicochemical difference between serine and arginine. This variant is not present in population databases (ExAC no frequency). This variant has not been reported in the literature in individuals with TSC2-related conditions. In summary, the available evidence is currently insufficient to determine the role of this variant in disease. Therefore, it has been classified as a Variant of Uncertain Significance.